The following is an entry in ClinVar:

NM_030625.3(TET1):c.775A>G (p.Lys259Glu)

Gene: TET1 (tet methylcytosine dioxygenase 1; plus strand). Cytogenetic location: 10q21.3.
Variant type: single nucleotide variant.
Coding change: c.775A>G on transcript NM_030625.3 (MANE Select); coding-DNA position 775, A replaced by G.
Protein change: p.Lys259Glu; replaces lysine 259 with glutamic acid.
Molecular consequence: missense variant.
Genome position (GRCh38, 1-based): chr10:68,573,113, A>G. VCF-style: chr10-68573113-A-G. GRCh37 (hg19) VCF-style: chr10-70332870-A-G.
Other names: c.775A>G, p.Lys259Glu (NM_001406365.1, NM_001406373.1, NM_001406374.1); short protein forms K259E.
Identifiers: ClinVar variation 2640532 (VCV002640532.24), dbSNP rs2053689413, ClinGen allele CA376849280.

ClinVar aggregate classification (germline): Uncertain significance (1 of 4 stars; one submission).

Submission:

CeGaT Center for Human Genetics Tuebingen
Classification: Uncertain significance. Last evaluated: 2023-11-01. Review status: criteria provided, single submitter. Criteria: CeGaT Center For Human Genetics Tuebingen Variant Classification Criteria Version 2. Collection method: clinical testing. Allele origin: germline. Affected: yes. Observed: 1 variant allele.
Comment: TET1: PM2, BP4